The following is an entry in ClinVar:

ClinVar aggregate classification (germline): Uncertain significance (1 of 4 stars; one submission).

Conditions:
Developmental and epileptic encephalopathy, 34 (DEE34). Also called: SLC12A5-Related Epilepsy of Infancy with Migrating Focal Seizures; Early infantile epileptic encephalopathy 34. Identifiers: Orphanet 293181, MedGen C4225257, MONDO:0014718, OMIM 616645.

Submission:

Labcorp Genetics (formerly Invitae), Labcorp
Classification: Uncertain significance for Developmental and epileptic encephalopathy, 34. Last evaluated: 2022-08-23. Review status: criteria provided, single submitter. Criteria: Invitae Variant Classification Sherloc (09022015). Collection method: clinical testing. Allele origin: germline.
Comment: In summary, the available evidence is currently insufficient to determine the role of this variant in disease. Therefore, it has been classified as a Variant of Uncertain Significance. Advanced modeling of protein sequence and biophysical properties (such as structural, functional, and spatial information, amino acid conservation, physicochemical variation, residue mobility, and thermodynamic stability) performed at Invitae indicates that this missense variant is expected to disrupt SLC12A5 protein function. ClinVar contains an entry for this variant (Variation ID: 1429957). This variant has not been reported in the literature in individuals affected with SLC12A5-related conditions. This variant is not present in population databases (gnomAD no frequency). This sequence change replaces cysteine, which is neutral and slightly polar, with arginine, which is basic and polar, at codon 568 of the SLC12A5 protein (p.Cys568Arg).

NM_020708.5(SLC12A5):c.1702T>C (p.Cys568Arg)

Gene: SLC12A5 (solute carrier family 12 member 5; plus strand). Cytogenetic location: 20q13.12.
Variant type: single nucleotide variant.
Coding change: c.1702T>C on transcript NM_020708.5 (MANE Select); coding-DNA position 1702, T replaced by C.
Protein change: p.Cys568Arg; replaces cysteine 568 with arginine.
Molecular consequence: missense variant.
Genome position (GRCh38, 1-based): chr20:46,046,351, T>C. VCF-style: chr20-46046351-T-C. GRCh37 (hg19) VCF-style: chr20-44674990-T-C.
Other names: c.1771T>C, p.Cys591Arg (NM_001134771.2); short protein forms C591R, C568R.
Identifiers: ClinVar variation 1429957 (VCV001429957.6), dbSNP rs2145495282, ClinGen allele CA409197000.